The following is an entry in ClinVar:

ClinVar aggregate classification (germline): Uncertain significance. Review status: criteria provided, multiple submitters, no conflicts (2 of 4 stars). 3 submissions from 3 submitters: Uncertain significance (3). Last evaluated 2026-01-12.

Conditions:
Inborn genetic diseases. Identifiers: MedGen C0950123, MeSH D030342.
GAPO syndrome. Identifiers: Orphanet 2067, MedGen C0406723, MONDO:0009263, OMIM 230740.

Allele frequency attached by ClinVar (database versions not stated): gnomAD 0.00003; TOPMed 0.00004; ExAC 0.00010.
gnomAD v4.1: 54 of 1,571,024 alleles (0.0034%); highest among the groups gnomAD compares: East Asian, 0.014%; no homozygotes.

Submissions (3):

Labcorp Genetics (formerly Invitae), Labcorp
Classification: Uncertain significance. Last evaluated: 2026-01-12. Review status: criteria provided, single submitter. Criteria: Invitae Variant Classification Sherloc (09022015). Collection method: clinical testing. Allele origin: germline.
Comment: This sequence change replaces alanine, which is neutral and non-polar, with valine, which is neutral and non-polar, at codon 26 of the ANTXR1 protein (p.Ala26Val). This variant is present in population databases (rs763539838, gnomAD 0.02%). This variant has not been reported in the literature in individuals affected with ANTXR1-related conditions. ClinVar contains an entry for this variant (Variation ID: 1907395). An algorithm developed to predict the effect of missense changes on protein structure and function (PolyPhen-2) suggests that this variant is likely to be tolerated. In summary, the available evidence is currently insufficient to determine the role of this variant in disease. Therefore, it has been classified as a Variant of Uncertain Significance.

Department of Pathology and Laboratory Medicine, Sinai Health System
Classification: Uncertain significance for GAPO syndrome. Last evaluated: 2023-10-03. Review status: criteria provided, single submitter. Criteria: ACMG Guidelines, 2015. Collection method: research. Allele origin: germline.

Ambry Genetics
Classification: Uncertain significance for Inborn genetic diseases. Last evaluated: 2021-08-02. Review status: criteria provided, single submitter. Criteria: Ambry Variant Classification Scheme 2023. Collection method: clinical testing. Allele origin: germline.

NM_032208.3(ANTXR1):c.77C>T (p.Ala26Val)

Gene: ANTXR1 (ANTXR cell adhesion molecule 1; plus strand). Cytogenetic location: 2p13.3.
Variant type: single nucleotide variant.
Coding change: c.77C>T on transcript NM_032208.3 (MANE Select); coding-DNA position 77, C replaced by T.
Protein change: p.Ala26Val; replaces alanine 26 with valine.
Molecular consequence: missense variant.
Genome position (GRCh38, 1-based): chr2:69,013,576, C>T. VCF-style: chr2-69013576-C-T. GRCh37 (hg19) VCF-style: chr2-69240708-C-T.
Other names: c.77C>T, p.Ala26Val (NM_001410840.1, NM_018153.3, NM_053034.2); short protein forms A26V.
Identifiers: ClinVar variation 1907395 (VCV001907395.7), dbSNP rs763539838, ClinGen allele CA1692747.